The following is an entry in ClinVar:

ClinVar aggregate classification (germline): Uncertain significance. Review status: criteria provided, multiple submitters, no conflicts (2 of 4 stars). 2 submissions from 2 submitters: Uncertain significance (2). Last evaluated 2025-10-22.

gnomAD v4.1: 10 of 1,612,694 alleles (0.00062%); highest among the groups gnomAD compares: African/African-American, 0.013%; no homozygotes.

Submissions (2):

Ambry Genetics
Classification: Uncertain significance. Last evaluated: 2025-10-22. Review status: criteria provided, single submitter. Criteria: Ambry Variant Classification Scheme 2023. Collection method: clinical testing. Allele origin: germline.

GeneDx
Classification: Uncertain significance. Last evaluated: 2021-11-23. Review status: criteria provided, single submitter. Criteria: GeneDx Variant Classification Process June 2021. Collection method: clinical testing. Allele origin: germline. Affected: yes.
Comment: Not observed at significant frequency in large population cohorts (gnomAD); In silico analysis supports that this missense variant does not alter protein structure/function; Has not been previously published as pathogenic or benign to our knowledge

NM_178335.3(CCDC50):c.413G>C (p.Arg138Pro)

Gene: CCDC50 (coiled-coil domain containing 50; plus strand). Cytogenetic location: 3q28.
Variant type: single nucleotide variant.
Coding change: c.413G>C on transcript NM_178335.3 (MANE Select); coding-DNA position 413, G replaced by C.
Protein change: p.Arg138Pro; replaces arginine 138 with proline.
Molecular consequence: missense variant.
Genome position (GRCh38, 1-based): chr3:191,370,001, G>C. VCF-style: chr3-191370001-G-C. GRCh37 (hg19) VCF-style: chr3-191087790-G-C.
Other names: c.413G>C, p.Arg138Pro (NM_174908.4); short protein forms R138P.
Identifiers: ClinVar variation 1686739 (VCV001686739.3), dbSNP rs557807225, ClinGen allele CA2755249.